The following is an entry in ClinVar:

NM_006005.3(WFS1):c.2195G>C (p.Arg732Pro)

Gene: WFS1 (wolframin ER transmembrane glycoprotein; plus strand). Cytogenetic location: 4p16.1.
Variant type: single nucleotide variant.
Coding change: c.2195G>C on transcript NM_006005.3 (MANE Select); coding-DNA position 2195, G replaced by C.
Protein change: p.Arg732Pro; replaces arginine 732 with proline.
Molecular consequence: missense variant.
Genome position (GRCh38, 1-based): chr4:6,301,990, G>C. VCF-style: chr4-6301990-G-C. GRCh37 (hg19) VCF-style: chr4-6303717-G-C.
Other names: c.2195G>C, p.Arg732Pro (NM_001145853.1); short protein forms R732P.
Identifiers: ClinVar variation 4999564 (VCV004999564.1).

ClinVar aggregate classification (germline): Uncertain significance (1 of 4 stars; one submission).

Conditions:
WFS1-related disorder. Identifiers: MedGen CN379391, MONDO:0700293.

gnomAD v4.1: 2 of 1,612,566 alleles (0.00012%); highest among the groups gnomAD compares: South Asian, 0.0011%; no homozygotes.

Submission:

PreventionGenetics, part of Exact Sciences
Classification: Uncertain significance for WFS1-related condition. Last evaluated: 2025-08-06. Review status: criteria provided, single submitter. Criteria: ACMG Guidelines, 2015. Collection method: clinical testing. Allele origin: germline.
Comment: The WFS1 c.2195G>C variant is predicted to result in the amino acid substitution p.Arg732Pro. To our knowledge, this variant has not been reported in the literature. This variant is reported in 0.0033% of alleles in individuals of South Asian descent in gnomAD. An alternate missense substitution affecting the same amino acid (p.Arg732Cys) has been reported in multiple individuals with Wolfram syndrome (see for examples, La Morgia et al. 2020. PubMed ID: 32179840; Ren et al. 2021. PubMed ID: 34404380; Majander et al. 2022. PubMed ID: 35469785). At this time, the clinical significance of the c.2195G>C (p.Arg732Pro) variant is uncertain due to the absence of conclusive functional and genetic evidence.